The following is an entry in ClinVar:

NM_006231.4(POLE):c.6589T>C (p.Ser2197Pro)

Gene: POLE (DNA polymerase epsilon, catalytic subunit; minus strand). Cytogenetic location: 12q24.33.
Variant type: single nucleotide variant.
Coding change: c.6589T>C on transcript NM_006231.4 (MANE Select); coding-DNA position 6589, T replaced by C.
Protein change: p.Ser2197Pro; replaces serine 2197 with proline.
Molecular consequence: missense variant.
Genome position (GRCh38, 1-based): chr12:132,625,713, A>G on the plus strand (T>C on the coding strand, the complement: POLE is on the minus strand). VCF-style: chr12-132625713-A-G. GRCh37 (hg19) VCF-style: chr12-133202299-A-G.
Other names: short protein forms S2197P.
Identifiers: ClinVar variation 2808814 (VCV002808814.3), dbSNP rs2541837447, ClinGen allele CA387366693.

ClinVar aggregate classification (germline): Uncertain significance (1 of 4 stars; one submission).

Submission:

Labcorp Genetics (formerly Invitae), Labcorp
Classification: Uncertain significance. Last evaluated: 2023-02-15. Review status: criteria provided, single submitter. Criteria: Invitae Variant Classification Sherloc (09022015). Collection method: clinical testing. Allele origin: germline.
Comment: In summary, the available evidence is currently insufficient to determine the role of this variant in disease. Therefore, it has been classified as a Variant of Uncertain Significance. Advanced modeling of protein sequence and biophysical properties (such as structural, functional, and spatial information, amino acid conservation, physicochemical variation, residue mobility, and thermodynamic stability) performed at Invitae indicates that this missense variant is not expected to disrupt POLE protein function. This variant has not been reported in the literature in individuals affected with POLE-related conditions. This variant is not present in population databases (gnomAD no frequency). This sequence change replaces serine, which is neutral and polar, with proline, which is neutral and non-polar, at codon 2197 of the POLE protein (p.Ser2197Pro).